The following is an entry in ClinVar:

NM_005530.3(IDH3A):c.780-6C>T

Gene: IDH3A (isocitrate dehydrogenase (NAD(+)) 3 catalytic subunit alpha; plus strand). Cytogenetic location: 15q25.1.
Variant type: single nucleotide variant.
Coding change: c.780-6C>T on transcript NM_005530.3 (MANE Select); 6 bases into the intron before coding-DNA position 780, C replaced by T.
Molecular consequence: intron variant.
Genome position (GRCh38, 1-based): chr15:78,164,986, C>T. VCF-style: chr15-78164986-C-T. GRCh37 (hg19) VCF-style: chr15-78457328-C-T.
Other names: c.780-6C>T (NM_005530.2).
Identifiers: ClinVar variation 1140274 (VCV001140274.11), dbSNP rs200728505, ClinGen allele CA7680677.

ClinVar aggregate classification (germline): Likely benign. Review status: criteria provided, single submitter (1 of 4 stars). 2 submissions from 2 submitters: Likely benign (1). 1 of the submissions does not count toward it. Last evaluated 2025-12-19.

Conditions:
IDH3A-related disorder. Also called: IDH3A-related condition.

Allele frequency attached by ClinVar (database versions not stated): ExAC 0.00007; ESP Exome Variant Server 0.00008; gnomAD 0.00008 and 0.00009; gnomAD exomes 0.00008; TOPMed 0.00009; 1000 Genomes Project 0.00020; 1000 Genomes Project 30x 0.00031.
gnomAD v4.1: 118 of 1,607,630 alleles (0.0073%); highest among the groups gnomAD compares: Admixed American, 0.012%; no homozygotes.

Submissions (2):

Labcorp Genetics (formerly Invitae), Labcorp
Classification: Likely benign. Last evaluated: 2025-12-19. Review status: criteria provided, single submitter. Criteria: Invitae Variant Classification Sherloc (09022015). Collection method: clinical testing. Allele origin: germline.

PreventionGenetics, part of Exact Sciences
Classification: Likely benign for IDH3A-related condition. Last evaluated: 2019-08-15. Review status: no assertion criteria provided. Collection method: clinical testing. Allele origin: germline. Not counted in ClinVar's aggregate classification.
Comment: This variant is classified as likely benign based on ACMG/AMP sequence variant interpretation guidelines (Richards et al. 2015 PMID: 25741868, with internal and published modifications).